The following is an entry in ClinVar:

ClinVar aggregate classification (germline): Uncertain significance (1 of 4 stars; one submission).

Conditions:
Dyskeratosis congenita. Identifiers: Orphanet 1775, MedGen C0265965, MONDO:0015780.

gnomAD v4.1: 4 of 1,613,872 alleles (0.00025%); highest among the groups gnomAD compares: African/African-American, 0.0027%; no homozygotes.

Submission:

Labcorp Genetics (formerly Invitae), Labcorp
Classification: Uncertain significance for Dyskeratosis congenita. Last evaluated: 2025-07-20. Review status: criteria provided, single submitter. Criteria: Invitae Variant Classification Sherloc (09022015). Collection method: clinical testing. Allele origin: germline.
Comment: This sequence change replaces histidine, which is basic and polar, with leucine, which is neutral and non-polar, at codon 442 of the CTC1 protein (p.His442Leu). This variant is not present in population databases (gnomAD no frequency). This variant has not been reported in the literature in individuals affected with CTC1-related conditions. ClinVar contains an entry for this variant (Variation ID: 3690204). Invitae Evidence Modeling of protein sequence and biophysical properties (such as structural, functional, and spatial information, amino acid conservation, physicochemical variation, residue mobility, and thermodynamic stability) indicates that this missense variant is not expected to disrupt CTC1 protein function with a negative predictive value of 80%. In summary, the available evidence is currently insufficient to determine the role of this variant in disease. Therefore, it has been classified as a Variant of Uncertain Significance.

NM_025099.6(CTC1):c.1325A>T (p.His442Leu)

Gene: CTC1 (CST telomere replication complex component 1; minus strand). Cytogenetic location: 17p13.1.
Variant type: single nucleotide variant.
Coding change: c.1325A>T on transcript NM_025099.6 (MANE Select); coding-DNA position 1325, A replaced by T.
Protein change: p.His442Leu; replaces histidine 442 with leucine.
Molecular consequence: missense variant. On other transcripts: non-coding transcript variant (1).
Genome position (GRCh38, 1-based): chr17:8,235,167, T>A on the plus strand (A>T on the coding strand, the complement: CTC1 is on the minus strand). VCF-style: chr17-8235167-T-A. GRCh37 (hg19) VCF-style: chr17-8138485-T-A.
Other names: c.1325A>T, p.His442Leu (NM_001411067.1); short protein forms H442L.
Identifiers: ClinVar variation 3690204 (VCV003690204.2).
Genomic context (GRCh38, chr17:8,235,167, plus strand): 5'-AACTGACGTTCCCACACCAGCTGCTCGTACAGGGAGGCCCCGTAGGCTTGACGGGATGAG[T>A]GAGCCCCAGGCTTCTGACGAGAGAAGCTTTGAAGCAGAACGGCGCCACGGAGGCAGGGGG-3'
Protein context (NP_079375.3, residues 432-452): QSFSRQKPGA[His442Leu]SSRQAYGASL